The following is an entry in ClinVar:

NM_001365951.3(KIF1B):c.5423G>T (p.Arg1808Leu)

Gene: KIF1B (kinesin family member 1B; plus strand). Cytogenetic location: 1p36.22.
Variant type: single nucleotide variant.
Coding change: c.5423G>T on transcript NM_001365951.3 (MANE Select); coding-DNA position 5423, G replaced by T.
Protein change: p.Arg1808Leu; replaces arginine 1808 with leucine.
Molecular consequence: missense variant.
Genome position (GRCh38, 1-based): chr1:10,376,559, G>T. VCF-style: chr1-10376559-G-T. GRCh37 (hg19) VCF-style: chr1-10436617-G-T.
Other names: c.5423G>T, p.Arg1808Leu (NM_001365952.1); c.5285G>T, p.Arg1762Leu (NM_015074.3); short protein forms R1762L, R1808L.
Identifiers: ClinVar variation 3288440 (VCV003288440.1).

ClinVar aggregate classification (germline): Uncertain significance (1 of 4 stars; one submission).

Submission:

Ambry Genetics
Classification: Uncertain significance. Last evaluated: 2024-05-08. Review status: criteria provided, single submitter. Criteria: Ambry Variant Classification Scheme 2023. Collection method: clinical testing. Allele origin: germline.
Comment: The p.R1762L variant (also known as c.5285G>T), located in coding exon 46 of the KIF1B gene, results from a G to T substitution at nucleotide position 5285. The arginine at codon 1762 is replaced by leucine, an amino acid with dissimilar properties. This amino acid position is conserved. In addition, the in silico prediction for this alteration is inconclusive. Based on the available evidence, the clinical significance of this variant remains unclear.